The following is an entry in ClinVar:

ClinVar aggregate classification (germline): Uncertain significance (1 of 4 stars; one submission).

Conditions:
Glycogen storage disease, type II (IOPD). Also called: POMPE DISEASE, INFANTILE-ONSET; GLYCOGEN STORAGE DISEASE II, INFANTILE-ONSET; ACID ALPHA-GLUCOSIDASE DEFICIENCY, INFANTILE-ONSET; GAA DEFICIENCY, INFANTILE-ONSET; ACID MALTASE DEFICIENCY, INFANTILE-ONSET; Pompe Disease. Identifiers: Orphanet 365, MedGen C0017921, MONDO:0009290, OMIM 232300.

Allele frequency attached by ClinVar (database versions not stated): gnomAD exomes below 0.00001; TOPMed below 0.00001; gnomAD 0.00001.
gnomAD v4.1: 9 of 1,613,774 alleles (0.00056%); highest among the groups gnomAD compares: Admixed American, 0.0033%; no homozygotes.

Submission:

Labcorp Genetics (formerly Invitae), Labcorp
Classification: Uncertain significance for Glycogen storage disease, type II. Last evaluated: 2024-10-15. Review status: criteria provided, single submitter. Criteria: Invitae Variant Classification Sherloc (09022015). Collection method: clinical testing. Allele origin: germline.
Comment: This sequence change replaces cysteine, which is neutral and slightly polar, with phenylalanine, which is neutral and non-polar, at codon 952 of the GAA protein (p.Cys952Phe). This variant is not present in population databases (gnomAD no frequency). This variant has not been reported in the literature in individuals affected with GAA-related conditions. ClinVar contains an entry for this variant (Variation ID: 2179109). Invitae Evidence Modeling of protein sequence and biophysical properties (such as structural, functional, and spatial information, amino acid conservation, physicochemical variation, residue mobility, and thermodynamic stability) indicates that this missense variant is not expected to disrupt GAA protein function with a negative predictive value of 95%. In summary, the available evidence is currently insufficient to determine the role of this variant in disease. Therefore, it has been classified as a Variant of Uncertain Significance.

NM_000152.5(GAA):c.2855G>T (p.Cys952Phe)

Gene: GAA (alpha glucosidase; plus strand). Cytogenetic location: 17q25.3.
Variant type: single nucleotide variant.
Coding change: c.2855G>T on transcript NM_000152.5 (MANE Select); coding-DNA position 2855, G replaced by T.
Protein change: p.Cys952Phe; replaces cysteine 952 with phenylalanine.
Molecular consequence: missense variant.
Genome position (GRCh38, 1-based): chr17:80,119,327, G>T. VCF-style: chr17-80119327-G-T. GRCh37 (hg19) VCF-style: chr17-78093126-G-T.
Other names: c.2855G>T, p.Cys952Phe (NM_001079803.3, NM_001079804.3, NM_001406741.1 and 1 more transcripts); short protein forms C952F.
Identifiers: ClinVar variation 2179109 (VCV002179109.2), dbSNP rs2039431289, ClinGen allele CA401328049.